The following is an entry in ClinVar:

NM_014159.7(SETD2):c.4587-3C>T

Gene: SETD2 (SET domain containing 2, histone lysine methyltransferase; minus strand). Cytogenetic location: 3p21.31.
Variant type: single nucleotide variant.
Coding change: c.4587-3C>T on transcript NM_014159.7 (MANE Select); 3 bases into the intron before coding-DNA position 4587, C replaced by T.
Molecular consequence: intron variant.
Genome position (GRCh38, 1-based): chr3:47,114,007, G>A on the plus strand (C>T on the coding strand, the complement: SETD2 is on the minus strand). VCF-style: chr3-47114007-G-A. GRCh37 (hg19) VCF-style: chr3-47155497-G-A.
Other names: c.4455-3C>T (NM_001349370.3).
Identifiers: ClinVar variation 2225544 (VCV002225544.3), dbSNP rs1209559336, ClinGen allele CA907641262.

ClinVar aggregate classification (germline): Uncertain significance (1 of 4 stars; one submission).

Conditions:
Inborn genetic diseases. Identifiers: MedGen C0950123, MeSH D030342.

Allele frequency attached by ClinVar (database versions not stated): gnomAD exomes below 0.00001; gnomAD 0.00001; TOPMed 0.00002.
gnomAD v4.1: 8 of 1,594,140 alleles (0.0005%); highest among the groups gnomAD compares: East Asian, 0.0045%; no homozygotes.

Submission:

Ambry Genetics
Classification: Uncertain significance for Inborn genetic diseases. Last evaluated: 2023-07-13. Review status: criteria provided, single submitter. Criteria: Ambry Variant Classification Scheme 2023. Collection method: clinical testing. Allele origin: germline.
Comment: The c.4587-3C>T intronic alteration consists of a C to T substitution 3 nucleotides before exon 5 of the SETD2 gene. Based on insufficient or conflicting evidence, the clinical significance of this alteration remains unclear.